The following is an entry in ClinVar:

NM_206933.4(USH2A):c.15543G>C (p.Met5181Ile)

Gene: USH2A (usherin; minus strand). Cytogenetic location: 1q41.
Variant type: single nucleotide variant.
Coding change: c.15543G>C on transcript NM_206933.4 (MANE Select); coding-DNA position 15543, G replaced by C.
Protein change: p.Met5181Ile; replaces methionine 5181 with isoleucine.
Molecular consequence: missense variant.
Genome position (GRCh38, 1-based): chr1:215,625,847, C>G on the plus strand (G>C on the coding strand, the complement: USH2A is on the minus strand). VCF-style: chr1-215625847-C-G. GRCh37 (hg19) VCF-style: chr1-215799189-C-G.
Other names: short protein forms M5181I.
Identifiers: ClinVar variation 1987781 (VCV001987781.4), dbSNP rs1197061758, ClinGen allele CA344820360.
Genomic context (GRCh38, chr1:215,625,847, plus strand): 5'-GTGGGTGTCTGTGAATGTGGTGCGTTCCTTAGTCACTGAGCTGAAATCCTTGATGGCGTT[C>G]ATCAGGTCCTCTTCATCCACATACTGAAAAATAAGCCAATCATCATTGGCTACATACTTG-3'
Protein context (NP_996816.3, residues 5171-5191): SGLYVDEEDL[Met5181Ile]NAIKDFSSVT

ClinVar aggregate classification (germline): Uncertain significance (1 of 4 stars; one submission).

Allele frequency attached by ClinVar (database versions not stated): gnomAD exomes below 0.00001.
gnomAD v4.1: 1 of 1,614,082 alleles (0.000062%); highest among the groups gnomAD compares: Admixed American, 0.0017%; no homozygotes.

Submission:

Labcorp Genetics (formerly Invitae), Labcorp
Classification: Uncertain significance. Last evaluated: 2023-08-04. Review status: criteria provided, single submitter. Criteria: Invitae Variant Classification Sherloc (09022015). Collection method: clinical testing. Allele origin: germline.
Comment: Advanced modeling of protein sequence and biophysical properties (such as structural, functional, and spatial information, amino acid conservation, physicochemical variation, residue mobility, and thermodynamic stability) performed at Invitae indicates that this missense variant is not expected to disrupt USH2A protein function. ClinVar contains an entry for this variant (Variation ID: 1987781). This variant has not been reported in the literature in individuals affected with USH2A-related conditions. This variant is present in population databases (no rsID available, gnomAD 0.003%). This sequence change replaces methionine, which is neutral and non-polar, with isoleucine, which is neutral and non-polar, at codon 5181 of the USH2A protein (p.Met5181Ile). In summary, the available evidence is currently insufficient to determine the role of this variant in disease. Therefore, it has been classified as a Variant of Uncertain Significance.